The following is an entry in ClinVar:

NM_000135.4(FANCA):c.3349-3C>T

Gene: FANCA (FA complementation group A; minus strand). Cytogenetic location: 16q24.3.
Variant type: single nucleotide variant.
Coding change: c.3349-3C>T on transcript NM_000135.4 (MANE Select); 3 bases into the intron before coding-DNA position 3349, C replaced by T.
Molecular consequence: intron variant.
Genome position (GRCh38, 1-based): chr16:89,746,893, G>A on the plus strand (C>T on the coding strand, the complement: FANCA is on the minus strand). VCF-style: chr16-89746893-G-A. GRCh37 (hg19) VCF-style: chr16-89813301-G-A.
Other names: c.3349-3C>T (NM_000135.3, LRG_495t1, NM_001286167.3).
Identifiers: ClinVar variation 550696 (VCV000550696.22), dbSNP rs373861415, ClinGen allele CA8251202.

ClinVar aggregate classification (germline): Uncertain significance. Review status: criteria provided, multiple submitters, no conflicts (2 of 4 stars). 11 submissions from 11 submitters: Uncertain significance (9). 2 of the submissions do not count toward it. Last evaluated 2026-10-01.

Conditions:
Fanconi anemia (FA). Also called: Fanconi's anemia. Identifiers: Orphanet 84, MedGen C0015625, MeSH D005199, MONDO:0019391.
FANCA-related disorder. Also called: FANCA-related condition.
Fanconi anemia complementation group A (FANCA). Also called: Fanconi anemia, group A; FANCA-Related Fanconi Anemia. Identifiers: Orphanet 84, MedGen C3469521, MONDO:0009215, OMIM 227650.

Allele frequency attached by ClinVar (database versions not stated): ExAC below 0.00001; gnomAD 0.00005 and 0.00006; TOPMed 0.00006; gnomAD exomes 0.00007 and 0.00012; ESP Exome Variant Server 0.00008.
gnomAD v4.1: 178 of 1,554,746 alleles (0.011%); highest among the groups gnomAD compares: Middle Eastern, 0.017%; no homozygotes.

Submissions (11):

St. Jude Molecular Pathology, St. Jude Children's Research Hospital
Classification: Uncertain significance for Fanconi anemia complementation group A. Last evaluated: 2026-10-01. Review status: criteria provided, single submitter. Criteria: St. Jude Assertion Criteria 2020. Collection method: clinical testing. Allele origin: germline.
Comment: The FANCA c.3349-3C>T intronic change results in a C to T substitution at the -3 position of intron 33 of the FANCA gene. Algorithms that predict the impact of sequence changes on splicing indicate that this change may impact splicing. This variant has a maximum non-founder subpopulation frequency of 0.015% in gnomAD v2.1.1. This variant has been reported in conjunction with a missense in an individual with myelodysplastic syndrome and acute myeloid leukemia as well as one healthy individual (PMID: 26492932). This variant has also been reported in a cohort of individuals with pancreatic carcinoma (PMID: 39256447). To our knowledge, this variant has not been reported in individuals with Fanconi anemia. In summary, the evidence currently available is insufficient to determine the clinical significance of this variant. It has therefore been classified as of uncertain significance.

Women's Health and Genetics/Laboratory Corporation of America, LabCorp
Classification: Uncertain significance. Last evaluated: 2025-11-10. Review status: criteria provided, single submitter. Criteria: LabCorp Variant Classification Summary - May 2015. Collection method: clinical testing. Allele origin: germline.
Comment: Variant summary: FANCA c.3349-3C>T alters a nucleotide located close to a canonical splice site and therefore could affect mRNA splicing, leading to a significantly altered protein sequence. Consensus agreement among computation tools predict no significant impact on normal splicing. However, these predictions have yet to be confirmed by functional studies. The variant allele was found at a frequency of 7.4e-05 in 161594 control chromosomes (gnomAD). This frequency is not significantly higher than estimated for disease-causing variants in FANCA, allowing no conclusion about variant significance. c.3349-3C>T has been observed in individuals affected with Shwachman-Diamond syndrome or pancreatic adenocarcinoma (Churpek_2015, Rodrigues_2024). These reports do not provide unequivocal conclusions about association of the variant with Fanconi Anemia. To our knowledge, no experimental evidence demonstrating an impact on protein function has been reported. The following publications have been ascertained in the context of this evaluation (PMID: 26492932, 39256447). ClinVar contains an entry for this variant (Variation ID: 550696). Based on the evidence outlined above, the variant was classified as uncertain significance.

Quest Diagnostics Nichols Institute San Juan Capistrano
Classification: Uncertain significance. Last evaluated: 2025-11-07. Review status: criteria provided, single submitter. Criteria: Quest Diagnostics criteria. Collection method: clinical testing. Allele origin: unknown.
Comment: The FANCA c.3349-3C>T variant has been reported in the published literature in an individual with Myelodysplastic syndromes (MDS)/acute myeloid leukemia (AML) (PMID: 26492932 (2015)). The frequency of this variant in the general population (Genome Aggregation Database) is uninformative in the assessment of its pathogenicity. Analysis of this variant using software algorithms for the prediction of the effect of nucleotide changes on FANCA mRNA splicing yielded inconclusive findings. Based on the available information, we are unable to determine the clinical significance of this variant.

Labcorp Genetics (formerly Invitae), Labcorp
Classification: Uncertain significance for Fanconi anemia. Last evaluated: 2024-10-01. Review status: criteria provided, single submitter. Criteria: Invitae Variant Classification Sherloc (09022015). Collection method: clinical testing. Allele origin: germline.
Comment: This sequence change falls in intron 33 of the FANCA gene. It does not directly change the encoded amino acid sequence of the FANCA protein. It affects a nucleotide within the consensus splice site. This variant is present in population databases (rs373861415, gnomAD 0.02%). This variant has been observed in individual(s) with clinical features of Shwachman-Diamond syndrome (PMID: 26492932). ClinVar contains an entry for this variant (Variation ID: 550696). Variants that disrupt the consensus splice site are a relatively common cause of aberrant splicing (PMID: 17576681, 9536098). Algorithms developed to predict the effect of sequence changes on RNA splicing suggest that this variant may disrupt the consensus splice site. In summary, the available evidence is currently insufficient to determine the role of this variant in disease. Therefore, it has been classified as a Variant of Uncertain Significance.

Blueprint Genetics
Classification: Uncertain significance. Last evaluated: 2024-08-30. Review status: criteria provided, single submitter. Criteria: ACMG Guidelines, 2015. Collection method: clinical testing. Allele origin: germline.

PreventionGenetics, part of Exact Sciences
Classification: Uncertain significance for FANCA-related condition. Last evaluated: 2023-01-19. Review status: criteria provided, single submitter. Criteria: ACMG Guidelines, 2015. Collection method: clinical testing. Allele origin: germline.
Comment: The FANCA c.3349-3C>T variant is predicted to interfere with splicing. This variant is predicted to have a minor impact on splicing at the consensus splice site based on splicing prediction programs. However, these prediction programs are not equivalent to functional evidence. This variant was reported in the compound heterozygous state with a second FANCA variant (c.1340C>T, p.Ser447Leu) in an individual with myelodysplastic syndrome / acute myeloid leukemia; however, this individual also had two compound heterozygous variants in the SBDS gene (Churpek et al. 2015. PubMed ID: 26492932). This variant is reported in 0.015% of alleles in individuals of European (Non-Finnish) descent in gnomAD and has been interpreted in ClinVar as uncertain. At this time, the clinical significance of this variant is uncertain due to the absence of conclusive functional and genetic evidence.

Sema4
Classification: Uncertain significance for Fanconi anemia. Last evaluated: 2021-11-04. Review status: criteria provided, single submitter. Criteria: Sema4 Curation Guidelines. Collection method: curation. Allele origin: germline.
Comment: The FANCA c.3349-3C>T variant has been reported in one individual with Shwachman-Diamond syndrome, however that individual had an alternate molecular basis for diseas (PMID: 26492932). This variant was observed in 12/78964 chromosomes in the Non-Finnish European subpopulation in the large and broad cohorts of the Genome Aggregation Database (PMID: 32461654). This variant has been reported in ClinVar (Variation ID: 550696). Algorithms developed to predict the effect of sequence changes on RNA splicing do not suggest negative effect, though these predictions have not been confirmed by functional studies. The evidence is insufficient to meet ACMG/AMP criteria for classifying the variant as benign or pathogenic. Thus, the clinical significance of this variant is currently uncertain.

Illumina Laboratory Services, Illumina
Classification: Uncertain significance for Fanconi anemia complementation group A. Last evaluated: 2018-01-12. Review status: criteria provided, single submitter. Criteria: ICSL Variant Classification Criteria 13 December 2019. Collection method: clinical testing. Allele origin: germline.

Breakthrough Genomics
Classification: Uncertain significance. Review status: criteria provided, single submitter. Criteria: ACMG Guidelines, 2015. Collection method: not provided. Allele origin: germline. Inheritance: Autosomal recessive inheritance. Affected: yes.

Natera, Inc.
Classification: Uncertain significance for Fanconi anemia. Last evaluated: 2020-01-31. Review status: no assertion criteria provided. Collection method: clinical testing. Allele origin: germline. Not counted in ClinVar's aggregate classification.

Counsyl
Classification: Uncertain significance for Fanconi anemia complementation group A. Last evaluated: 2017-02-08. Review status: no assertion criteria provided. Collection method: clinical testing. Allele origin: unknown. Not counted in ClinVar's aggregate classification.

Literature cited by the submitters: PubMed 39256447 (cited by Women's Health and Genetics/Laboratory Corporation of America, LabCorp); PubMed 26492932 (cited by 5 submitters); PubMed 17576681 (cited by Labcorp Genetics (formerly Invitae), Labcorp); PubMed 9536098 (cited by Labcorp Genetics (formerly Invitae), Labcorp).